The following is an entry in ClinVar:

NM_001999.4(FBN2):c.6903G>T (p.Gly2301=)

Gene: FBN2 (fibrillin 2; minus strand). Cytogenetic location: 5q23.3.
Variant type: single nucleotide variant.
Coding change: c.6903G>T on transcript NM_001999.4 (MANE Select); coding-DNA position 6903, G replaced by T.
Protein change: p.Gly2301=; no amino-acid change (glycine 2301 retained).
Molecular consequence: synonymous variant.
Genome position (GRCh38, 1-based): chr5:128,286,827, C>A on the plus strand (G>T on the coding strand, the complement: FBN2 is on the minus strand). VCF-style: chr5-128286827-C-A. GRCh37 (hg19) VCF-style: chr5-127622519-C-A.
Identifiers: ClinVar variation 264344 (VCV000264344.16), dbSNP rs886039130, ClinGen allele CA10587598.

ClinVar aggregate classification (germline): Likely benign. Review status: criteria provided, multiple submitters, no conflicts (2 of 4 stars). 4 submissions from 4 submitters: Likely benign (4). Last evaluated 2024-02-17.

Conditions:
Connective tissue disorder. Also called: Connective tissue disease. Identifiers: MedGen C0009782, MONDO:0003900.
Familial thoracic aortic aneurysm and aortic dissection (TAAD). Also called: Thoracic aortic aneurysms and dissections. Identifiers: Orphanet 91387, MedGen C4707243, MONDO:0019625.
Congenital contractural arachnodactyly (CCA). Also called: BEALS SYNDROME; Beals-Hecht syndrome; Arthrogryposis, distal, type 9. Identifiers: Orphanet 115, MedGen C0220668, MONDO:0007363, OMIM 121050.

Allele frequency attached by ClinVar (database versions not stated): gnomAD exomes below 0.00001.
gnomAD v4.1: 26 of 1,614,044 alleles (0.0016%); highest among the groups gnomAD compares: Middle Eastern, 0.033%; no homozygotes.

Submissions (4):

Labcorp Genetics (formerly Invitae), Labcorp
Classification: Likely benign for Congenital contractural arachnodactyly. Last evaluated: 2024-02-17. Review status: criteria provided, single submitter. Criteria: Invitae Variant Classification Sherloc (09022015). Collection method: clinical testing. Allele origin: germline.

Genome Diagnostics Laboratory, The Hospital for Sick Children
Classification: Likely benign for Connective tissue disorder. Last evaluated: 2020-01-01. Review status: criteria provided, single submitter. Criteria: ACMG Guidelines, 2015. Collection method: clinical testing. Allele origin: germline.

GeneDx
Classification: Likely benign. Last evaluated: 2017-01-13. Review status: criteria provided, single submitter. Criteria: GeneDx Variant Classification (06012015). Collection method: clinical testing. Allele origin: germline. Affected: yes.
Comment: This variant is considered likely benign or benign based on one or more of the following criteria: it is a conservative change, it occurs at a poorly conserved position in the protein, it is predicted to be benign by multiple in silico algorithms, and/or has population frequency not consistent with disease.

Ambry Genetics
Classification: Likely benign for Familial thoracic aortic aneurysm and aortic dissection. Last evaluated: 2015-09-07. Review status: criteria provided, single submitter. Criteria: Ambry Variant Classification Scheme 2023. Collection method: clinical testing. Allele origin: germline.